The following is an entry in ClinVar:

ClinVar aggregate classification (germline): Uncertain significance (1 of 4 stars; one submission).

Conditions:
Parkinson disease 17 (PARK17). Also called: VPS35-Related Parkinson Disease. Identifiers: Orphanet 411602, MedGen C3280133, MONDO:0013625, OMIM 614203.

Submission:

Labcorp Genetics (formerly Invitae), Labcorp
Classification: Uncertain significance for Parkinson disease 17. Last evaluated: 2022-04-11. Review status: criteria provided, single submitter. Criteria: Invitae Variant Classification Sherloc (09022015). Collection method: clinical testing. Allele origin: germline.
Comment: This sequence change creates a premature translational stop signal (p.Tyr409*) in the VPS35 gene. It is expected to result in an absent or disrupted protein product. However, the current clinical and genetic evidence is not sufficient to establish whether loss-of-function variants in VPS35 cause disease. This variant is not present in population databases (gnomAD no frequency). In summary, the available evidence is currently insufficient to determine the role of this variant in disease. Therefore, it has been classified as a Variant of Uncertain Significance. This variant has not been reported in the literature in individuals affected with VPS35-related conditions.

NM_018206.6(VPS35):c.1226dup (p.Tyr409Ter)

Gene: VPS35 (VPS35 retromer complex component; minus strand). Cytogenetic location: 16q11.2.
Variant type: Duplication.
Coding change: c.1226dup on transcript NM_018206.6 (MANE Select); coding-DNA position 1226, one base duplicated (A; older notation c.1226dupA).
Protein change: p.Tyr409Ter; replaces tyrosine 409 with a stop codon.
Molecular consequence: nonsense.
Genome position (GRCh38, 1-based): chr16:46,672,407, T duplicated on the plus strand (A on the coding strand, the reverse complement: VPS35 is on the minus strand). VCF-style (leftmost placement, unchanged base first): chr16-46672406-G-GT. GRCh37 (hg19) VCF-style: chr16-46706318-G-GT.
Other names: short protein forms Y409*.
Identifiers: ClinVar variation 2124844 (VCV002124844.4), dbSNP rs2548880126, ClinGen allele CA2580091546.